The following is an entry in ClinVar:

ClinVar aggregate classification (germline): Likely pathogenic (1 of 4 stars; one submission).

Conditions:
Glycogen storage disease, type II (IOPD). Also called: Glycogen storage disease type 2; Acid maltase deficiency disease; Aglucosidase alfa; Deficiency of alpha-glucosidase; Deficiency of lysosomal alpha-glucosidase; Glucosidase acid-1,4-alpha deficiency. Identifiers: Orphanet 365, MedGen C0017921, MONDO:0009290, OMIM 232300.

Submission:

Labcorp Genetics (formerly Invitae), Labcorp
Classification: Likely pathogenic for Glycogen storage disease, type II. Last evaluated: 2023-03-07. Review status: criteria provided, single submitter. Criteria: Invitae Variant Classification Sherloc (09022015). Collection method: clinical testing. Allele origin: germline.
Comment: This sequence change replaces serine, which is neutral and polar, with phenylalanine, which is neutral and non-polar, at codon 566 of the GAA protein (p.Ser566Phe). In summary, the currently available evidence indicates that the variant is pathogenic, but additional data are needed to prove that conclusively. Therefore, this variant has been classified as Likely Pathogenic. This variant disrupts the p.Ser566 amino acid residue in GAA. Other variant(s) that disrupt this residue have been determined to be pathogenic (PMID: 9521422, 29124014, 31254424). This suggests that this residue is clinically significant, and that variants that disrupt this residue are likely to be disease-causing. Advanced modeling of protein sequence and biophysical properties (such as structural, functional, and spatial information, amino acid conservation, physicochemical variation, residue mobility, and thermodynamic stability) performed at Invitae indicates that this missense variant is expected to disrupt GAA protein function. This variant has not been reported in the literature in individuals affected with GAA-related conditions. This variant is not present in population databases (gnomAD no frequency).

Literature cited by the submitters: PubMed 9521422; PubMed 29124014; PubMed 31254424.

NM_000152.5(GAA):c.1697C>T (p.Ser566Phe)

Gene: GAA (alpha glucosidase; plus strand). Cytogenetic location: 17q25.3.
Variant type: single nucleotide variant.
Coding change: c.1697C>T on transcript NM_000152.5 (MANE Select); coding-DNA position 1697, C replaced by T.
Protein change: p.Ser566Phe; replaces serine 566 with phenylalanine.
Molecular consequence: missense variant.
Genome position (GRCh38, 1-based): chr17:80,112,043, C>T. VCF-style: chr17-80112043-C-T. GRCh37 (hg19) VCF-style: chr17-78085842-C-T.
Other names: c.1697C>T, p.Ser566Phe (NM_001079803.3, NM_001079804.3, NM_001406741.1 and 1 more transcripts); short protein forms S566F.
Identifiers: ClinVar variation 2843290 (VCV002843290.3), dbSNP rs2039248188, ClinGen allele CA401369016.